The following is an entry in ClinVar:

NM_000540.3(RYR1):c.11491A>G (p.Ile3831Val)

Gene: RYR1 (ryanodine receptor 1; plus strand). Cytogenetic location: 19q13.2.
Variant type: single nucleotide variant.
Coding change: c.11491A>G on transcript NM_000540.3 (MANE Select); coding-DNA position 11491, A replaced by G.
Protein change: p.Ile3831Val; replaces isoleucine 3831 with valine.
Molecular consequence: missense variant.
Genome position (GRCh38, 1-based): chr19:38,535,367, A>G. VCF-style: chr19-38535367-A-G. GRCh37 (hg19) VCF-style: chr19-39026007-A-G.
Other names: c.11476A>G, p.Ile3826Val (NM_001042723.2); short protein forms I3826V, I3831V.
Identifiers: ClinVar variation 3385559 (VCV003385559.1).

ClinVar aggregate classification (germline): Uncertain significance (1 of 4 stars; one submission).

Conditions:
Malignant hyperthermia, susceptibility to, 1 (MHS1). Also called: Anesthesia related hyperthermia; Malignant hyperpyrexia; Fulminating hyperpyrexia; Pharmacogenic myopathy; Malignant hyperthermia suceptibility 1; RYR1-Related Malignant Hyperthermia Susceptibility. Identifiers: Orphanet 423, MedGen C2930980, MONDO:0007783, OMIM 145600.

gnomAD v4.1: 5 of 1,614,172 alleles (0.00031%); highest among the groups gnomAD compares: Middle Eastern, 0.049%; no homozygotes.

Submission:

All of Us Research Program, National Institutes of Health
Classification: Uncertain significance for Malignant hyperthermia, susceptibility to, 1. Last evaluated: 2024-02-22. Review status: criteria provided, single submitter. Criteria: ACMG Guidelines, 2015. Collection method: clinical testing. Allele origin: germline. Inheritance: Autosomal dominant inheritance. Observed: 1 variant allele, 1 heterozygote.
Comment: This missense variant replaces isoleucine with valine at codon 3831 of the RYR1 protein. Computational prediction suggests that this variant may not impact protein structure and function (internally defined REVEL score threshold <= 0.5, PMID: 27666373). To our knowledge, functional studies have not been reported for this variant. This variant has not been reported in individuals affected with RYR1-related disorders in the literature. This variant has been identified in 3/251492 chromosomes in the general population by the Genome Aggregation Database (gnomAD). The available evidence is insufficient to determine the role of this variant in disease conclusively. Therefore, this variant is classified as a Variant of Uncertain Significance.

This study involves interpretation of variants in research participants for the purpose of population health screening. Participant phenotype was not available at the time of variant classification. Additional details can be found in publication PMID: 35346344, PMCID: PMC8962531